The following is an entry in ClinVar:

ClinVar aggregate classification (germline): Likely pathogenic (1 of 4 stars; one submission).

Conditions:
Hereditary cancer-predisposing syndrome. Also called: Hereditary Cancer Syndrome; Hereditary neoplastic syndrome; Neoplastic Syndromes, Hereditary; Tumor predisposition. Identifiers: Orphanet 140162, MedGen C0027672, MeSH D009386, MONDO:0015356.

Submission:

Ambry Genetics
Classification: Likely pathogenic for Hereditary cancer-predisposing syndrome. Last evaluated: 2025-07-24. Review status: criteria provided, single submitter. Criteria: Ambry Variant Classification Scheme 2023. Collection method: clinical testing. Allele origin: germline.
Comment: The c.1501_1505delGAGGAinsTG variant (also known as p.E501_E502delins*), located in coding exon 13 of the CHEK2 gene, results from an in-frame deletion of GAGGA and insertion of TG at nucleotide positions 1501 to 1505. This results in the creation of a stop codon at codon 501. This alteration occurs at the 3' terminus of theCHEK2 gene, is not expected to trigger nonsense-mediated mRNA decay, and impacts the last 8% of the protein. However, premature stop codons are typically deleterious in nature and a significant portion of the protein is affected (Ambry internal data). This variant is considered to be rare based on population cohorts in the Genome Aggregation Database (gnomAD). Based on the majority of available evidence to date, this variant is likely to be pathogenic.

NM_007194.4(CHEK2):c.1501_1505delinsTG (p.Glu501_Glu502delinsTer)

Gene: CHEK2 (checkpoint kinase 2; minus strand). Cytogenetic location: 22q12.1.
Variant type: Indel.
Coding change: c.1501_1505delinsTG on transcript NM_007194.4 (MANE Select); coding-DNA positions 1501 to 1505, GAGGA replaced by TG.
Protein change: p.Glu501_Glu502delinsTer.
Molecular consequence: nonsense.
Genome position (GRCh38, 1-based): chr22:28,689,172-28,689,176, TCCTC replaced by CA on the plus strand (GAGGA replaced by TG on the coding strand, the reverse complement: CHEK2 is on the minus strand). VCF-style: chr22-28689172-TCCTC-CA. GRCh37 (hg19) VCF-style: chr22-29085160-TCCTC-CA.
Other names: c.1630_1634delinsTG, p.Glu544_Glu545delinsTer (NM_001005735.3); c.838_842delinsTG, p.Glu280_Glu281delinsTer (NM_001257387.3, NM_001437942.1); c.1300_1304delinsTG, p.Glu434_Glu435delinsTer (NM_001349956.3); c.1594_1598delinsTG, p.Glu532_Glu533delinsTer (NM_001438293.1); c.1543_1547delinsTG, p.Glu515_Glu516delinsTer (NM_001438294.1); c.1507_1511delinsTG, p.Glu503_Glu504delinsTer (NM_001438295.1); c.1414_1418delinsTG, p.Glu472_Glu473delinsTer (NM_145862.3).
Identifiers: ClinVar variation 4228003 (VCV004228003.1).